The following is an entry in ClinVar:

NM_015909.4(NBAS):c.3976G>A (p.Glu1326Lys)

Gene: NBAS (NBAS subunit of NRZ tethering complex; minus strand). Cytogenetic location: 2p24.3.
Variant type: single nucleotide variant.
Coding change: c.3976G>A on transcript NM_015909.4 (MANE Select); coding-DNA position 3976, G replaced by A.
Protein change: p.Glu1326Lys; replaces glutamic acid 1326 with lysine.
Molecular consequence: missense variant. On other transcripts: non-coding transcript variant (1).
Genome position (GRCh38, 1-based): chr2:15,353,666, C>T on the plus strand (G>A on the coding strand, the complement: NBAS is on the minus strand). VCF-style: chr2-15353666-C-T. GRCh37 (hg19) VCF-style: chr2-15493790-C-T.
Other names: short protein forms E1326K.
Identifiers: ClinVar variation 2778642 (VCV002778642.1), dbSNP rs1164889973, ClinGen allele CA345890340.

ClinVar aggregate classification (germline): Uncertain significance (1 of 4 stars; one submission).

Allele frequency attached by ClinVar (database versions not stated): gnomAD exomes below 0.00001; TOPMed below 0.00001.
gnomAD v4.1: 1 of 1,614,072 alleles (0.000062%); highest among the groups gnomAD compares: Admixed American, 0.0017%; no homozygotes.

Submission:

Labcorp Genetics (formerly Invitae), Labcorp
Classification: Uncertain significance. Last evaluated: 2023-01-22. Review status: criteria provided, single submitter. Criteria: Invitae Variant Classification Sherloc (09022015). Collection method: clinical testing. Allele origin: germline.
Comment: This variant has not been reported in the literature in individuals affected with NBAS-related conditions. In summary, the available evidence is currently insufficient to determine the role of this variant in disease. Therefore, it has been classified as a Variant of Uncertain Significance. Advanced modeling of protein sequence and biophysical properties (such as structural, functional, and spatial information, amino acid conservation, physicochemical variation, residue mobility, and thermodynamic stability) performed at Invitae indicates that this missense variant is not expected to disrupt NBAS protein function. This variant is present in population databases (no rsID available, gnomAD 0.003%). This sequence change replaces glutamic acid, which is acidic and polar, with lysine, which is basic and polar, at codon 1326 of the NBAS protein (p.Glu1326Lys).